The following is an entry in ClinVar:

NM_018474.6(KIZ):c.1745G>A (p.Arg582Lys)

Gene: KIZ (kizuna centrosomal protein; plus strand). Cytogenetic location: 20p11.23.
Variant type: single nucleotide variant.
Coding change: c.1745G>A on transcript NM_018474.6 (MANE Select); coding-DNA position 1745, G replaced by A.
Protein change: p.Arg582Lys; replaces arginine 582 with lysine.
Molecular consequence: missense variant.
Genome position (GRCh38, 1-based): chr20:21,229,077, G>A. VCF-style: chr20-21229077-G-A. GRCh37 (hg19) VCF-style: chr20-21209715-G-A.
Other names: c.1436G>A, p.Arg479Lys (NM_001163022.3); c.1346G>A, p.Arg449Lys (NM_001163023.3); c.1598G>A, p.Arg533Lys (NM_001276389.2); c.1691G>A, p.Arg564Lys (NM_001352434.2); c.1382G>A, p.Arg461Lys (NM_001352435.2); c.1403G>A, p.Arg468Lys (NM_001352436.2); short protein forms R449K, R461K, R468K, R479K, R533K, R564K, R582K.
Identifiers: ClinVar variation 1057786 (VCV001057786.7), dbSNP rs201638838, ClinGen allele CA9784962.

ClinVar aggregate classification (germline): Conflicting classifications of pathogenicity. Review status: criteria provided, conflicting classifications (1 of 4 stars). 2 submissions from 2 submitters: Uncertain significance (1); Benign (1). Last evaluated 2025-01-13.

Allele frequency attached by ClinVar (database versions not stated): gnomAD exomes 0.00009 and 0.00018; ExAC 0.00020; gnomAD 0.00033 and 0.00036; ESP Exome Variant Server 0.00041; TOPMed 0.00047; 1000 Genomes Project 0.00080; 1000 Genomes Project 30x 0.00094.
gnomAD v4.1: 201 of 1,612,002 alleles (0.012%); highest among the groups gnomAD compares: Middle Eastern, 0.099%; no homozygotes.

Submissions (2):

Labcorp Genetics (formerly Invitae), Labcorp
Classification: Uncertain significance. Last evaluated: 2025-01-13. Review status: criteria provided, single submitter. Criteria: Invitae Variant Classification Sherloc (09022015). Collection method: clinical testing. Allele origin: germline.
Comment: This sequence change replaces arginine, which is basic and polar, with lysine, which is basic and polar, at codon 582 of the KIZ protein (p.Arg582Lys). This variant is present in population databases (rs201638838, gnomAD 0.1%). This variant has not been reported in the literature in individuals affected with KIZ-related conditions. ClinVar contains an entry for this variant (Variation ID: 1057786). Experimental studies and prediction algorithms are not available or were not evaluated, and the functional significance of this variant is currently unknown. In summary, the available evidence is currently insufficient to determine the role of this variant in disease. Therefore, it has been classified as a Variant of Uncertain Significance.

Blueprint Genetics
Classification: Benign. Last evaluated: 2024-05-31. Review status: criteria provided, single submitter. Criteria: ACMG Guidelines, 2015. Collection method: clinical testing. Allele origin: germline.